The following is an entry in ClinVar:

NM_000032.5(ALAS2):c.661G>A (p.Ala221Thr)

Gene: ALAS2 (5'-aminolevulinate synthase 2; minus strand). Cytogenetic location: Xp11.21.
Variant type: single nucleotide variant.
Coding change: c.661G>A on transcript NM_000032.5 (MANE Select); coding-DNA position 661, G replaced by A.
Protein change: p.Ala221Thr; replaces alanine 221 with threonine.
Molecular consequence: missense variant.
Genome position (GRCh38, 1-based): chrX:55,020,482, C>T on the plus strand (G>A on the coding strand, the complement: ALAS2 is on the minus strand). VCF-style: chrX-55020482-C-T. GRCh37 (hg19) VCF-style: chrX-55046915-C-T.
Other names: c.661G>A, p.Ala221Thr (LRG_1163t1); c.550G>A, p.Ala184Thr (NM_001037967.4); c.622G>A, p.Ala208Thr (NM_001037968.4); short protein forms A221T, A208T, A184T.
Identifiers: ClinVar variation 368598 (VCV000368598.16), dbSNP rs753156183, ClinGen allele CA10428394.

ClinVar aggregate classification (germline): Conflicting classifications of pathogenicity. Review status: criteria provided, conflicting classifications (1 of 4 stars). 7 submissions from 7 submitters: Uncertain significance (5); Likely benign (2). Last evaluated 2026-01-21.

Conditions:
ALAS2-related disorder. Also called: ALAS2-related condition.
X-linked sideroblastic anemia 1. Also called: Erythroid 5-aminolevulinate synthase deficiency; X chromosome-linked sideroblastic anemia; Anemia, sideroblastic, 1; Anemia, hereditary sideroblastic 1, pyridoxine refractory; ANEMIA, SIDEROBLASTIC, 1, PYRIDOXINE REFRACTORY; X-linked pyridoxine-refractory sideroblastic anemia. Identifiers: Orphanet 75563, MedGen C4551511, MONDO:0020721, OMIM 300751. Disease mechanism: loss of function.
X-linked erythropoietic protoporphyria. Also called: Erythropoietic Protoporphyria, X-Linked Dominant; ERYTHROHEPATIC PROTOPORPHYRIA, X-LINKED; X-Linked Protoporphyria. Identifiers: Orphanet 443197, MedGen C2677889, MONDO:0010420, OMIM 300752.
Inborn genetic diseases. Identifiers: MedGen C0950123, MeSH D030342.

Allele frequency attached by ClinVar (database versions not stated): ExAC 0.00004; gnomAD exomes 0.00005 and 0.00028; gnomAD 0.00007 and 0.00010; TOPMed 0.00011.

Submissions (7):

Labcorp Genetics (formerly Invitae), Labcorp
Classification: Likely benign. Last evaluated: 2026-01-21. Review status: criteria provided, single submitter. Criteria: Invitae Variant Classification Sherloc (09022015). Collection method: clinical testing. Allele origin: germline.

Ambry Genetics
Classification: Uncertain significance for Inborn genetic diseases. Last evaluated: 2025-01-27. Review status: criteria provided, single submitter. Criteria: Ambry Variant Classification Scheme 2023. Collection method: clinical testing. Allele origin: germline.

PreventionGenetics, part of Exact Sciences
Classification: Uncertain significance for ALAS2-related condition. Last evaluated: 2024-12-02. Review status: criteria provided, single submitter. Criteria: ACMG Guidelines, 2015. Collection method: clinical testing. Allele origin: germline.
Comment: The ALAS2 c.661G>A variant is predicted to result in the amino acid substitution p.Ala221Thr. To our knowledge, this variant has not been reported in the literature. This variant is reported in 0.0091% of alleles in individuals of Latino descent, including in the hemizygous state in 3 individuals in gnomAD. Although we suspect this variant may be benign, at this time the clinical significance of this variant is uncertain due to the absence of conclusive functional and genetic evidence.

Department of Pathology and Laboratory Medicine, Sinai Health System
Classification: Uncertain significance for X-linked erythropoietic protoporphyria. Last evaluated: 2021-07-30. Review status: criteria provided, single submitter. Criteria: ACMG Guidelines, 2015. Collection method: research. Allele origin: germline.

Genetic Services Laboratory, University of Chicago
Classification: Uncertain significance. Last evaluated: 2020-03-13. Review status: criteria provided, single submitter. Criteria: ACMG Guidelines, 2015. Collection method: clinical testing. Allele origin: germline. Affected: no.
Comment: DNA sequence analysis of the ALAS2 gene demonstrated a sequence change, c.661G>A, in exon 6 that results in an amino acid change, p.Ala221Thr. This sequence change does not appear to have been previously described in patients with ALAS2-related disorders and has been described in the gnomAD database in 8 individuals (dbSNP rs753156183). The p.Ala221Thr change affects a moderately conserved amino acid residue located in a domain of the ALAS2 protein that is known to be functional. The p.Ala221Thr substitution appears to be benign using several in-silico pathogenicity prediction tools (SIFT, PolyPhen2, Align GVGD, REVEL). Due to the lack of functional studies, the clinical significance of the p.Ala221Thr change remains unknown at this time.

GeneDx
Classification: Likely benign. Last evaluated: 2018-05-04. Review status: criteria provided, single submitter. Criteria: GeneDx Variant Classification (06012015). Collection method: clinical testing. Allele origin: germline. Affected: yes.
Comment: This variant is considered likely benign or benign based on one or more of the following criteria: it is a conservative change, it occurs at a poorly conserved position in the protein, it is predicted to be benign by multiple in silico algorithms, and/or has population frequency not consistent with disease.

Illumina Laboratory Services, Illumina
Classification: Uncertain significance for X-linked sideroblastic anemia 1. Last evaluated: 2018-01-12. Review status: criteria provided, single submitter. Criteria: ICSL Variant Classification Criteria 13 December 2019. Collection method: clinical testing. Allele origin: germline.